The following is an entry in ClinVar:

ClinVar aggregate classification (germline): Uncertain significance (1 of 4 stars; one submission).

gnomAD v4.1: 1 of 1,107,025 alleles (0.00009%); highest among the groups gnomAD compares: Admixed American, 0.0023%; no homozygotes.

Submission:

Labcorp Genetics (formerly Invitae), Labcorp
Classification: Uncertain significance. Last evaluated: 2024-08-12. Review status: criteria provided, single submitter. Criteria: Invitae Variant Classification Sherloc (09022015). Collection method: clinical testing. Allele origin: germline.
Comment: This sequence change replaces tyrosine, which is neutral and polar, with cysteine, which is neutral and slightly polar, at codon 132 of the CACNA1F protein (p.Tyr132Cys). The frequency data for this variant in the population databases is considered unreliable, as metrics indicate poor data quality at this position in the gnomAD database. This variant has not been reported in the literature in individuals affected with CACNA1F-related conditions. Advanced modeling of protein sequence and biophysical properties (such as structural, functional, and spatial information, amino acid conservation, physicochemical variation, residue mobility, and thermodynamic stability) performed at Invitae indicates that this missense variant is expected to disrupt CACNA1F protein function with a positive predictive value of 80%. In summary, the available evidence is currently insufficient to determine the role of this variant in disease. Therefore, it has been classified as a Variant of Uncertain Significance.

NM_001256789.3(CACNA1F):c.395A>G (p.Tyr132Cys)

Gene: CACNA1F (calcium voltage-gated channel subunit alpha1 F; minus strand). Cytogenetic location: Xp11.23.
Variant type: single nucleotide variant.
Coding change: c.395A>G on transcript NM_001256789.3 (MANE Select); coding-DNA position 395, A replaced by G.
Protein change: p.Tyr132Cys; replaces tyrosine 132 with cysteine.
Molecular consequence: missense variant.
Genome position (GRCh38, 1-based): chrX:49,230,976, T>C on the plus strand (A>G on the coding strand, the complement: CACNA1F is on the minus strand). VCF-style: chrX-49230976-T-C. GRCh37 (hg19) VCF-style: chrX-49087438-T-C.
Other names: c.200A>G, p.Tyr67Cys (NM_001256790.3); c.395A>G, p.Tyr132Cys (NM_005183.4); short protein forms Y67C, Y132C.
Identifiers: ClinVar variation 3662054 (VCV003662054.2).